The following is an entry in ClinVar:

ClinVar aggregate classification (germline): Conflicting classifications of pathogenicity. Review status: criteria provided, conflicting classifications (1 of 4 stars). 8 submissions from 8 submitters: Uncertain significance (6); Likely benign (1). 1 of the submissions does not count toward it. Last evaluated 2025-11-13.

Conditions:
Breast-ovarian cancer, familial, susceptibility to, 2 (BROVCA2). Also called: BRCA2 Hereditary Breast and Ovarian Cancer. Identifiers: Orphanet 145, MedGen C2675520, MONDO:0012933, OMIM 612555. Disease mechanism: loss of function.
Hereditary cancer-predisposing syndrome. Also called: Hereditary neoplastic syndrome; Tumor predisposition; Neoplastic Syndromes, Hereditary; Hereditary Cancer Syndrome. Identifiers: Orphanet 140162, MedGen C0027672, MeSH D009386, MONDO:0015356.
Hereditary breast ovarian cancer syndrome. Also called: BRCA1- and BRCA2-Associated Hereditary Breast and Ovarian Cancer; Hereditary breast and/or ovarian cancer syndrome; Hereditary breast and ovarian cancer; Hereditary breast and ovarian cancer syndrome; Hereditary breast and ovarian cancer syndrome (HBOC); Breast and ovarian cancer. Identifiers: Orphanet 145, MedGen C0677776, MeSH D061325, MONDO:0003582. Disease mechanism: loss of function.

Allele frequency attached by ClinVar (database versions not stated): TOPMed 0.00002.
gnomAD v4.1: 6 of 1,613,552 alleles (0.00037%); highest among the groups gnomAD compares: African/African-American, 0.0027%; no homozygotes.

Submissions (8):

Ambry Genetics
Classification: Uncertain significance for Hereditary cancer-predisposing syndrome. Last evaluated: 2025-11-13. Review status: criteria provided, single submitter. Criteria: Ambry Variant Classification Scheme 2023. Collection method: clinical testing. Allele origin: germline.
Comment: The p.V1542M variant (also known as c.4624G>A), located in coding exon 10 of the BRCA2 gene, results from a G to A substitution at nucleotide position 4624. The valine at codon 1542 is replaced by methionine, an amino acid with highly similar properties. This amino acid position is well conserved in available vertebrate species. In addition, the in silico prediction for this alteration is inconclusive. Based on the available evidence, the clinical significance of this variant remains unclear.

Labcorp Genetics (formerly Invitae), Labcorp
Classification: Uncertain significance for Hereditary breast ovarian cancer syndrome. Last evaluated: 2025-11-09. Review status: criteria provided, single submitter. Criteria: Invitae Variant Classification Sherloc (09022015). Collection method: clinical testing. Allele origin: germline.
Comment: This sequence change replaces valine, which is neutral and non-polar, with methionine, which is neutral and non-polar, at codon 1542 of the BRCA2 protein (p.Val1542Met). This variant is not present in population databases (gnomAD no frequency). This missense change has been observed in individual(s) with breast cancer (PMID: 18724707). ClinVar contains an entry for this variant (Variation ID: 433785). Invitae Evidence Modeling of protein sequence and biophysical properties (such as structural, functional, and spatial information, amino acid conservation, physicochemical variation, residue mobility, and thermodynamic stability) indicates that this missense variant is not expected to disrupt BRCA2 protein function with a negative predictive value of 95%. In summary, the available evidence is currently insufficient to determine the role of this variant in disease. Therefore, it has been classified as a Variant of Uncertain Significance.

Color Diagnostics, LLC DBA Color Health
Classification: Uncertain significance for Hereditary cancer-predisposing syndrome. Last evaluated: 2025-03-04. Review status: criteria provided, single submitter. Criteria: ACMG Guidelines, 2015. Collection method: clinical testing. Allele origin: germline.
Comment: This missense variant replaces valine with methionine at codon 1542 of the BRCA2 protein. Computational prediction is inconclusive regarding the impact of this variant on protein structure and function. To our knowledge, functional studies have not been reported for this variant. This variant has been reported in an individual affected with breast cancer (PMID: 33646313) and in a multifactorial analysis with co-occurrence and family history likelihood ratios for pathogenicity of 1.102 and 0.976, respectively (PMID: 31131967). This variant has not been identified in the general population by the Genome Aggregation Database (gnomAD). The available evidence is insufficient to determine the role of this variant in disease conclusively. Therefore, this variant is classified as a Variant of Uncertain Significance.

All of Us Research Program, National Institutes of Health
Classification: Uncertain significance for Breast-ovarian cancer, familial, susceptibility to, 2. Last evaluated: 2023-05-04. Review status: criteria provided, single submitter. Criteria: ACMG Guidelines, 2015. Collection method: clinical testing. Allele origin: germline. Inheritance: Autosomal dominant inheritance. Observed: 1 variant allele, 1 heterozygote.
Comment: This study involves interpretation of variants in research participants for the purpose of population health screening. Participant phenotype was not available at the time of variant classification. Additional details can be found in publication PMID: 35346344, PMCID: PMC8962531

University of Washington Department of Laboratory Medicine, University of Washington
Classification: Likely benign for Hereditary cancer-predisposing syndrome. Last evaluated: 2023-03-23. Review status: criteria provided, single submitter. Criteria: Dines et al. (Genet Med. 2020). Collection method: curation. Allele origin: germline.
Comment: Missense variant in a coldspot region where missense variants are very unlikely to be pathogenic (PMID:31911673).

BRCA2 exon 11 coldspot. Reclassification based on statistical prior probability.

Quest Diagnostics Nichols Institute San Juan Capistrano
Classification: Uncertain significance. Last evaluated: 2022-12-15. Review status: criteria provided, single submitter. Criteria: Quest Diagnostics criteria. Collection method: clinical testing. Allele origin: unknown.
Comment: The variant has not been reported in the published literature. It also has not been reported in large, multi-ethnic general populations. Analysis of this variant using bioinformatics tools for the prediction of the effect of amino acid changes on protein structure and function yielded conflicting predictions that this variant is benign or damaging. Based on the available information, we are unable to determine the clinical significance of this variant.

Women's Health and Genetics/Laboratory Corporation of America, LabCorp
Classification: Uncertain significance. Last evaluated: 2019-10-17. Review status: criteria provided, single submitter. Criteria: LabCorp Variant Classification Summary - May 2015. Collection method: clinical testing. Allele origin: germline.
Comment: Variant summary: BRCA2 c.4624G>A (p.Val1542Met) results in a conservative amino acid change in the encoded protein sequence. Four of five in-silico tools predict a damaging effect of the variant on protein function. The variant was absent in 250170 control chromosomes (gnomAD). The available data on variant occurrences in the general population are insufficient to allow any conclusion about variant significance. To our knowledge, no occurrence of c.4624G>A in individuals affected with Hereditary Breast and Ovarian Cancer and no experimental evidence demonstrating its impact on protein function have been reported. Three ClinVar submissions (evaluation after 2014) cites the variant as uncertain significance. Based on the evidence outlined above, the variant was classified as uncertain significance.

Department of Pathology and Laboratory Medicine, Sinai Health System
Classification: Uncertain significance for Breast-ovarian cancer, familial, susceptibility to, 2. Review status: no assertion criteria provided. Collection method: clinical testing. Allele origin: unknown. Affected: yes. Study: The Canadian Open Genetics Repository (COGR). Not counted in ClinVar's aggregate classification.
Comment: The BRCA2 p.Val1542Met variant was not identified in the literature nor was it identified in the NHLBI GO Exome Sequencing Project, Exome Aggregation Consortium database (March 14 2016), Clinvitae database, Fanconi Anemia Mutation Database (LOVD), ARUP Laboratories BRCA Mutations Database, COSMIC, the ClinVar database, GeneInsight COGR database and BIC database. The variant was identified in dbSNP (ID: rs28897729) as â€šÃ„ÃºNAâ€šÃ„Ã¹ and in the following HAPMAP populations: HAPMAP-CEU in 1 of 226 chromosomes (frequency: 0.004), HAPMAP-JPT in 1 of 166 chromosomes (frequency: 0.006) and HAPMAP-MEX in 2 of 96 chromosomes (frequency: 0.02), increasing the likelihood this is a low frequency variant that may not have clinical significance. The p.Val1542 residue is conserved in mammals but not in more distantly related organisms and computational analyses (PolyPhen-2, SIFT, AlignGVGD, BLOSUM, MutationTaster) provide inconsistent predictions regarding the impact to the protein. The variant occurs outside of the splicing consensus sequence and 1 of 5 in silico or computational prediction software programs (SpliceSiteFinder, MaxEntScan, NNSPLICE, GeneSplicer, HumanSpliceFinder) predict a greater than 10% difference in splicing. This is not very predictive of pathogenicity. In summary, based on the above information, the clinical significance of this variant cannot be determined with certainty at this time. This variant is classified as a variant of uncertain significance.

Literature cited by the submitters: PubMed 18724707 (cited by Labcorp Genetics (formerly Invitae), Labcorp); PubMed 31131967 (cited by Color Diagnostics, LLC DBA Color Health); PubMed 33646313 (cited by Color Diagnostics, LLC DBA Color Health).

NM_000059.4(BRCA2):c.4624G>A (p.Val1542Met)

Gene: BRCA2 (BRCA2 DNA repair associated; plus strand). Cytogenetic location: 13q13.1.
Variant type: single nucleotide variant.
Coding change: c.4624G>A on transcript NM_000059.4 (MANE Select); coding-DNA position 4624, G replaced by A.
Protein change: p.Val1542Met; replaces valine 1542 with methionine.
Molecular consequence: missense variant.
Genome position (GRCh38, 1-based): chr13:32,338,979, G>A. VCF-style: chr13-32338979-G-A. GRCh37 (hg19) VCF-style: chr13-32913116-G-A.
Other names: short protein forms V1542M.
Identifiers: ClinVar variation 433785 (VCV000433785.26), dbSNP rs28897729, ClinGen allele CA247508167.